The following is an entry in ClinVar:

ClinVar aggregate classification (germline): Uncertain significance. Review status: criteria provided, multiple submitters, no conflicts (2 of 4 stars). 2 submissions from 2 submitters: Uncertain significance (2). Last evaluated 2024-06-03.

Allele frequency attached by ClinVar (database versions not stated): ExAC 0.00001; gnomAD exomes 0.00001; TOPMed 0.00001.

Submissions (2):

GeneDx
Classification: Uncertain significance. Last evaluated: 2024-06-03. Review status: criteria provided, single submitter. Criteria: GeneDx Variant Classification Process June 2021. Collection method: clinical testing. Allele origin: germline. Affected: yes.
Comment: In silico analysis indicates that this missense variant does not alter protein structure/function; Has not been previously published as pathogenic or benign to our knowledge; Variants in candidate genes are classified as variants of uncertain significance in accordance with ACMG guidelines (PMID: 25741868)

Labcorp Genetics (formerly Invitae), Labcorp
Classification: Uncertain significance. Last evaluated: 2024-02-17. Review status: criteria provided, single submitter. Criteria: Invitae Variant Classification Sherloc (09022015). Collection method: clinical testing. Allele origin: germline.
Comment: This sequence change replaces alanine, which is neutral and non-polar, with threonine, which is neutral and polar, at codon 85 of the AP3D1 protein (p.Ala85Thr). This variant is present in population databases (rs767169599, gnomAD 0.004%). This variant has not been reported in the literature in individuals affected with AP3D1-related conditions. An algorithm developed to predict the effect of missense changes on protein structure and function (PolyPhen-2) suggests that this variant is likely to be tolerated. In summary, the available evidence is currently insufficient to determine the role of this variant in disease. Therefore, it has been classified as a Variant of Uncertain Significance.

NM_001261826.3(AP3D1):c.253G>A (p.Ala85Thr)

Gene: AP3D1 (adaptor related protein complex 3 subunit delta 1; minus strand). Cytogenetic location: 19p13.3.
Variant type: single nucleotide variant.
Coding change: c.253G>A on transcript NM_001261826.3 (MANE Select); coding-DNA position 253, G replaced by A.
Protein change: p.Ala85Thr; replaces alanine 85 with threonine.
Molecular consequence: missense variant.
Genome position (GRCh38, 1-based): chr19:2,137,747, C>T on the plus strand (G>A on the coding strand, the complement: AP3D1 is on the minus strand). VCF-style: chr19-2137747-C-T. GRCh37 (hg19) VCF-style: chr19-2137746-C-T.
Other names: c.253G>A (NM_001261826.1); c.253G>A, p.Ala85Thr (NM_001374799.1, NM_003938.8); short protein forms A85T.
Identifiers: ClinVar variation 2819329 (VCV002819329.4), dbSNP rs767169599, ClinGen allele CA9059810.